The following is an entry in ClinVar:

NC_000013.10:g.(?_51484213)_(52602726_?)dup

Genes: ALG11 (ALG11 alpha-1,2-mannosyltransferase; plus strand), ATP7B (ATPase copper transporting beta; minus strand), CCDC70 (coiled-coil domain containing 70; plus strand), DHRS12 (dehydrogenase/reductase 12; minus strand), FAM124A (family with sequence similarity 124 member A; plus strand) and 5 more. Cytogenetic location: 13q14.3.
Variant type: Duplication.
Identifiers: ClinVar variation 2422253 (VCV002422253.3).

ClinVar aggregate classification (germline): Uncertain significance (1 of 4 stars; one submission).

Conditions:
Wilson disease (WND). Also called: Wilson's disease. Identifiers: Orphanet 905, MedGen C0019202, MONDO:0010200, OMIM 277900. Disease mechanism: loss of function.

Submission:

Labcorp Genetics (formerly Invitae), Labcorp
Classification: Uncertain significance for Wilson disease. Last evaluated: 2021-12-29. Review status: criteria provided, single submitter. Criteria: Invitae Variant Classification Sherloc (09022015). Collection method: clinical testing. Allele origin: germline.
Comment: A copy number gain of the genomic region encompassing the full coding sequence of the ATP7B gene has been identified. The boundaries of this event are unknown as they extend beyond the assayed region for this gene and therefore may encompass additional genes. As the precise location of this event is unknown, it may be in tandem or it may be located elsewhere in the genome. This variant has not been reported in the literature in individuals affected with ATP7B-related conditions. In summary, the available evidence is currently insufficient to determine the role of this variant in disease. Therefore, it has been classified as a Variant of Uncertain Significance.